The following is an entry in ClinVar:

NM_032217.5(ANKRD17):c.5360_5363del (p.Gln1787fs)

Gene: ANKRD17 (ankyrin repeat domain 17; minus strand). Cytogenetic location: 4q13.3.
Variant type: Deletion.
Coding change: c.5360_5363del on transcript NM_032217.5 (MANE Select); coding-DNA positions 5360 to 5363, 4 bases deleted (AATT; older notation c.5360_5363delAATT).
Protein change: p.Gln1787fs; shifts the reading frame from glutamine 1787.
Molecular consequence: frameshift variant.
Genome position (GRCh38, 1-based): chr4:73,092,265-73,092,268, AATT deleted on the plus strand (AATT on the coding strand, the reverse complement: ANKRD17 is on the minus strand). VCF-style (leftmost placement, unchanged base first): chr4-73092264-CAATT-C. GRCh37 (hg19) VCF-style: chr4-73957981-CAATT-C.
Other names: c.5021_5024del, p.Gln1674fs (NM_001286771.3); c.5357_5360del, p.Gln1786fs (NM_015574.2); c.4607_4610del, p.Gln1536fs (NM_198889.3); short protein forms Q1536fs, Q1674fs, Q1786fs, Q1787fs.
Identifiers: ClinVar variation 1325865 (VCV001325865.5), dbSNP rs2110167415, ClinGen allele CA2497029407.
Genomic context (GRCh38, chr4:73,092,264, plus strand): 5'-ACGATTCTTTGGAATAAGTTCATCAATTTCTTTGTCTGGATCCTTGATCAAAGCATTAAT[CAATT>C]GAGTTGCTTGTCTTGTTGATTCAGTGCCACCCCTATAAATTGAGAAAAAAAAATTAGGTA-3'

ClinVar aggregate classification (germline): Pathogenic. Review status: criteria provided, multiple submitters, no conflicts (2 of 4 stars). 2 submissions from 2 submitters: Pathogenic (2). Last evaluated 2025-03-04.

Conditions:
Chopra-Amiel-Gordon syndrome (CAGS). Also called: ANKRD17-Related Neurodevelopmental Syndrome. Identifiers: MedGen C5561975, MONDO:0859186, OMIM 619504.

Submissions (2):

Institute of Human Genetics, University of Leipzig Medical Center
Classification: Pathogenic for Chopra-Amiel-Gordon syndrome. Last evaluated: 2025-03-04. Review status: criteria provided, single submitter. Criteria: ACMG Guidelines, 2015. Collection method: clinical testing. Allele origin: de novo. Inheritance: Autosomal dominant inheritance. Affected: yes.
Comment: Criteria applied: PVS1, PS2_MOD, PM2

GeneDx
Classification: Pathogenic. Last evaluated: 2023-07-17. Review status: criteria provided, single submitter. Criteria: GeneDx Variant Classification Process June 2021. Collection method: clinical testing. Allele origin: germline. Affected: yes.
Comment: Not observed at significant frequency in large population cohorts (gnomAD); Frameshift variant predicted to result in protein truncation or nonsense mediated decay in a gene for which loss of function is a known mechanism of disease; This variant is associated with the following publications: (PMID: 33909992, 35998261, 35599849)